The following is an entry in ClinVar:

ClinVar aggregate classification (germline): Uncertain significance (1 of 4 stars; one submission).

gnomAD v4.1: 24 of 1,360,788 alleles (0.0018%); highest among the groups gnomAD compares: Non-Finnish European, 0.0022%; no homozygotes.

Submission:

Labcorp Genetics (formerly Invitae), Labcorp
Classification: Uncertain significance. Last evaluated: 2025-05-04. Review status: criteria provided, single submitter. Criteria: Invitae Variant Classification Sherloc (09022015). Collection method: clinical testing. Allele origin: germline.
Comment: This sequence change replaces glycine, which is neutral and non-polar, with serine, which is neutral and polar, at codon 243 of the ADAMTS13 protein (p.Gly243Ser). The frequency data for this variant in the population databases is considered unreliable, as metrics indicate poor data quality at this position in the gnomAD database. This variant has not been reported in the literature in individuals affected with ADAMTS13-related conditions. Invitae Evidence Modeling of protein sequence and biophysical properties (such as structural, functional, and spatial information, amino acid conservation, physicochemical variation, residue mobility, and thermodynamic stability) indicates that this missense variant is not expected to disrupt ADAMTS13 protein function with a negative predictive value of 80%. In summary, the available evidence is currently insufficient to determine the role of this variant in disease. Therefore, it has been classified as a Variant of Uncertain Significance.

NM_139027.6(ADAMTS13):c.727G>A (p.Gly243Ser)

Gene: ADAMTS13 (ADAM metallopeptidase with thrombospondin type 1 motif 13; plus strand). Cytogenetic location: 9q34.2.
Variant type: single nucleotide variant.
Coding change: c.727G>A on transcript NM_139027.6 (MANE Select); coding-DNA position 727, G replaced by A.
Protein change: p.Gly243Ser; replaces glycine 243 with serine.
Molecular consequence: missense variant.
Genome position (GRCh38, 1-based): chr9:133,428,674, G>A. VCF-style: chr9-133428674-G-A. GRCh37 (hg19) VCF-style: chr9-136293794-G-A.
Other names: c.727G>A, p.Gly243Ser (NM_139025.5, NM_139026.6); short protein forms G243S.
Identifiers: ClinVar variation 4760810 (VCV004760810.1).